The following is an entry in ClinVar:

NM_177438.3(DICER1):c.2295T>G (p.Asp765Glu)

Gene: DICER1 (dicer 1, ribonuclease III; minus strand). Cytogenetic location: 14q32.13.
Variant type: single nucleotide variant.
Coding change: c.2295T>G on transcript NM_177438.3 (MANE Select); coding-DNA position 2295, T replaced by G.
Protein change: p.Asp765Glu; replaces aspartic acid 765 with glutamic acid.
Molecular consequence: missense variant. On other transcripts: non-coding transcript variant (6).
Genome position (GRCh38, 1-based): chr14:95,108,465, A>C on the plus strand (T>G on the coding strand, the complement: DICER1 is on the minus strand). VCF-style: chr14-95108465-A-C. GRCh37 (hg19) VCF-style: chr14-95574802-A-C.
Other names: c.2295T>G, p.Asp765Glu (NM_001195573.1, NM_001271282.3, NM_001291628.2 and 12 more transcripts); c.2013T>G, p.Asp671Glu (NM_001395686.1); c.1890T>G, p.Asp630Glu (NM_001395687.1, NM_001395688.1, NM_001395689.1 and 2 more transcripts); c.1728T>G, p.Asp576Glu (NM_001395691.1); c.612T>G, p.Asp204Glu (NM_001395697.1); short protein forms D630E, D671E, D765E, D204E, D576E.
Identifiers: ClinVar variation 3720161 (VCV003720161.2).

ClinVar aggregate classification (germline): Uncertain significance (1 of 4 stars; one submission).

Conditions:
DICER1-related tumor predisposition. Also called: DICER1 syndrome; DICER1-related pleuropulmonary blastoma cancer predisposition syndrome. Identifiers: Orphanet 284343, MedGen C3839822, MONDO:0100216.

Submission:

Labcorp Genetics (formerly Invitae), Labcorp
Classification: Uncertain significance for DICER1-related tumor predisposition. Last evaluated: 2024-09-30. Review status: criteria provided, single submitter. Criteria: Invitae Variant Classification Sherloc (09022015). Collection method: clinical testing. Allele origin: germline.
Comment: This sequence change replaces aspartic acid, which is acidic and polar, with glutamic acid, which is acidic and polar, at codon 765 of the DICER1 protein (p.Asp765Glu). This variant is not present in population databases (gnomAD no frequency). This variant has not been reported in the literature in individuals affected with DICER1-related conditions. Invitae Evidence Modeling of protein sequence and biophysical properties (such as structural, functional, and spatial information, amino acid conservation, physicochemical variation, residue mobility, and thermodynamic stability) indicates that this missense variant is not expected to disrupt DICER1 protein function with a negative predictive value of 80%. In summary, the available evidence is currently insufficient to determine the role of this variant in disease. Therefore, it has been classified as a Variant of Uncertain Significance.